The following is an entry in ClinVar:

NM_001128636.4(ELFN1):c.515_528delinsTG (p.Asn172_Phe176delinsMet)

Gene: ELFN1 (extracellular leucine rich repeat and fibronectin type III domain containing 1; plus strand). Cytogenetic location: 7p22.3.
Variant type: Indel.
Coding change: c.515_528delinsTG on transcript NM_001128636.4 (MANE Select); coding-DNA positions 515 to 528, ACAGCGGCACCTTC replaced by TG.
Protein change: p.Asn172_Phe176delinsMet.
Molecular consequence: inframe indel.
Genome position (GRCh38, 1-based): chr7:1,745,111-1,745,124, ACAGCGGCACCTTC replaced by TG. VCF-style: chr7-1745111-ACAGCGGCACCTTC-TG. GRCh37 (hg19) VCF-style: chr7-1784747-ACAGCGGCACCTTC-TG.
Other names: c.515_528delinsTG, p.Asn172_Phe176delinsMet (NM_001394187.1, NM_001394188.1).
Identifiers: ClinVar variation 4870372 (VCV004870372.1).

ClinVar aggregate classification (germline): Uncertain significance (1 of 4 stars; one submission).

Submission:

Ambry Genetics
Classification: Uncertain significance. Last evaluated: 2026-04-09. Review status: criteria provided, single submitter. Criteria: Ambry Variant Classification Scheme 2023. Collection method: clinical testing. Allele origin: germline.
Comment: The c.515_528del14insTG (p.N172_F176delinsM) alteration, located in exon 2 (coding exon 1) of the ELFN1 gene, consists of an in-frame deletion of 14 and insertion of 2 nucleotides from position 515 to 528. This results in the substitution of a methionine (M) for the 5 amino acids at codons 172 through 176. This variant was not reported in population-based cohorts in the Genome Aggregation Database (gnomAD). These amino acid positions are not well conserved in available vertebrate species. This alteration is predicted to be deleterious by in silico analysis (Choi, 2012). Based on insufficient or conflicting evidence, the clinical significance of this alteration remains unclear.